The following is an entry in ClinVar:

NM_000088.4(COL1A1):c.2289del (p.Gly764fs)

Gene: COL1A1 (collagen type I alpha 1 chain; minus strand). Cytogenetic location: 17q21.33.
Variant type: Deletion.
Coding change: c.2289del on transcript NM_000088.4 (MANE Select); coding-DNA position 2289, one base deleted (T; older notation c.2289delT).
Protein change: p.Gly764fs; shifts the reading frame from glycine 764.
Molecular consequence: frameshift variant.
Genome position (GRCh38, 1-based): chr17:50,190,871, A deleted on the plus strand (T on the coding strand, the reverse complement: COL1A1 is on the minus strand). VCF-style (leftmost placement, unchanged base first): chr17-50190870-CA-C. GRCh37 (hg19) VCF-style: chr17-48268231-CA-C.
Other names: short protein forms G764fs.
Identifiers: ClinVar variation 1456054 (VCV001456054.6), dbSNP rs2144556507, ClinGen allele CA2573154242.

ClinVar aggregate classification (germline): Pathogenic (1 of 4 stars; one submission).

Conditions:
Osteogenesis imperfecta type I (OI1). Also called: Lobstein disease; Classic Non-deforming Osteogenesis Imperfecta with Blue Sclerae; OI, TYPE I; OSTEOGENESIS IMPERFECTA TARDA; OSTEOGENESIS IMPERFECTA WITH BLUE SCLERAE; Osteogenesis imperfecta type 1. Identifiers: Orphanet 216796, Orphanet 666, MedGen C0023931, MONDO:0008146, OMIM 166200. Disease mechanism: loss of function.

Submission:

Labcorp Genetics (formerly Invitae), Labcorp
Classification: Pathogenic for Osteogenesis imperfecta type I. Last evaluated: 2021-12-25. Review status: criteria provided, single submitter. Criteria: Invitae Variant Classification Sherloc (09022015). Collection method: clinical testing. Allele origin: germline.
Comment: For these reasons, this variant has been classified as Pathogenic. This variant has not been reported in the literature in individuals affected with COL1A1-related conditions. This variant is not present in population databases (gnomAD no frequency). This sequence change creates a premature translational stop signal (p.Gly764Valfs*2) in the COL1A1 gene. It is expected to result in an absent or disrupted protein product. Loss-of-function variants in COL1A1 are known to be pathogenic (PMID: 7942841, 9295084, 9443882).

Literature cited by the submitters: PubMed 7942841; PubMed 9295084; PubMed 9443882.